The following is an entry in ClinVar:

ClinVar aggregate classification (germline): Conflicting classifications of pathogenicity. Review status: criteria provided, conflicting classifications (1 of 4 stars). 6 submissions from 6 submitters: Uncertain significance (5); Likely benign (1). Last evaluated 2025-11-13.

Conditions:
Cardiovascular phenotype. Identifiers: MedGen CN230736.
Cardiomyopathy (CMYO). Also called: Cardiomyopathies. Identifiers: Orphanet 167848, MedGen C0878544, MONDO:0004994, HP:0001638. Inheritance: Various modes of inheritance.
Arrhythmogenic right ventricular cardiomyopathy (ARVD). Also called: Cardiomyopathy, ARVC; Arrhythmogenic right ventricular dysplasia; Arrhythmogenic cardiomyopathy; Arrhythmogenic Right Ventricular Cardiomyopathy (ARVC). Identifiers: Orphanet 247, MedGen C0349788, MeSH D019571, MONDO:0016587. Disease mechanism: loss of function. Inheritance: Various modes of inheritance.
Arrhythmogenic cardiomyopathy with wooly hair and keratoderma. Also called: PALMOPLANTAR KERATODERMA WITH LEFT VENTRICULAR CARDIOMYOPATHY AND WOOLLY HAIR; Carvajal syndrome; Arrhythmogenic cardiomyopathy with woolly hair and keratoderma; Dilated cardiomyopathy with woolly hair and keratoderma. Identifiers: Orphanet 65282, MedGen C1854063, MONDO:0011581, OMIM 605676.
Arrhythmogenic right ventricular dysplasia 8 (ARVD8). Also called: Arrhythmogenic Right Ventricular Dysplasia/Cardiomyopathy 8; ARRHYTHMOGENIC RIGHT VENTRICULAR DYSPLASIA, FAMILIAL, 8; ARRHYTHMOGENIC RIGHT VENTRICULAR CARDIOMYOPATHY 8. Identifiers: MedGen C1843896, MONDO:0011831, OMIM 607450.

Allele frequency attached by ClinVar (database versions not stated): gnomAD exomes 0.00001 and 0.00002; gnomAD 0.00005 and 0.00006; TOPMed 0.00005.
gnomAD v4.1: 26 of 1,613,910 alleles (0.0016%); highest among the groups gnomAD compares: Non-Finnish European, 0.0019%; no homozygotes.

Submissions (6):

Labcorp Genetics (formerly Invitae), Labcorp
Classification: Likely benign for Arrhythmogenic cardiomyopathy with wooly hair and keratoderma; Arrhythmogenic right ventricular dysplasia 8. Last evaluated: 2025-11-13. Review status: criteria provided, single submitter. Criteria: Invitae Variant Classification Sherloc (09022015). Collection method: clinical testing. Allele origin: germline.

All of Us Research Program, National Institutes of Health
Classification: Uncertain significance for Arrhythmogenic cardiomyopathy with wooly hair and keratoderma. Last evaluated: 2024-09-23. Review status: criteria provided, single submitter. Criteria: ACMG Guidelines, 2015. Collection method: clinical testing. Allele origin: germline. Inheritance: Autosomal dominant inheritance. Observed: 14 variant alleles, 14 heterozygotes.
Comment: This missense variant replaces aspartic acid with glutamic acid at codon 1098 of the DSP protein. Computational prediction suggests that this variant may not impact protein structure and function (internally defined REVEL score threshold <= 0.5, PMID: 27666373). To our knowledge, functional studies have not been reported for this variant. This variant has not been reported in individuals affected with cardiovascular disorders in the literature. This variant has been identified in 7/282210 chromosomes in the general population by the Genome Aggregation Database (gnomAD). The available evidence is insufficient to determine the role of this variant in disease conclusively. Therefore, this variant is classified as a Variant of Uncertain Significance.

This study involves interpretation of variants in research participants for the purpose of population health screening. Participant phenotype was not available at the time of variant classification. Additional details can be found in publication PMID: 35346344, PMCID: PMC8962531

Color Diagnostics, LLC DBA Color Health
Classification: Uncertain significance for Cardiomyopathy. Last evaluated: 2024-04-09. Review status: criteria provided, single submitter. Criteria: ACMG Guidelines, 2015. Collection method: clinical testing. Allele origin: germline.
Comment: This missense variant replaces aspartic acid with glutamic acid at codon 1098 of the DSP protein. Computational prediction suggests that this variant may not impact protein structure and function (internally defined REVEL score threshold <= 0.5, PMID: 27666373). To our knowledge, functional studies have not been reported for this variant. This variant has not been reported in individuals affected with DSP-related disorders in the literature. This variant has been identified in 7/282210 chromosomes in the general population by the Genome Aggregation Database (gnomAD). The available evidence is insufficient to determine the role of this variant in disease conclusively. Therefore, this variant is classified as a Variant of Uncertain Significance.

GeneDx
Classification: Uncertain significance. Last evaluated: 2023-10-19. Review status: criteria provided, single submitter. Criteria: GeneDx Variant Classification Process June 2021. Collection method: clinical testing. Allele origin: germline. Affected: yes.
Comment: Has not been previously published as pathogenic or benign to our knowledge; In silico analysis supports that this missense variant does not alter protein structure/function

Ambry Genetics
Classification: Uncertain significance for Cardiovascular phenotype. Last evaluated: 2017-09-19. Review status: criteria provided, single submitter. Criteria: Ambry Variant Classification Scheme 2023. Collection method: clinical testing. Allele origin: germline.
Comment: The p.D1098E variant (also known as c.3294C>G), located in coding exon 23 of the DSP gene, results from a C to G substitution at nucleotide position 3294. The aspartic acid at codon 1098 is replaced by glutamic acid, an amino acid with highly similar properties. This amino acid position is well conserved in available vertebrate species; however, glutamic acid is the reference amino acid in other vertebrate species. In addition, the in silico prediction for this alteration is inconclusive. Since supporting evidence is limited at this time, the clinical significance of this alteration remains unclear.

Genomic Diagnostic Laboratory, Division of Genomic Diagnostics, Children's Hospital of Philadelphia
Classification: Uncertain significance for Arrhythmogenic right ventricular cardiomyopathy. Last evaluated: 2015-07-01. Review status: criteria provided, single submitter. Criteria: DGD Variant Analysis Guidelines. Collection method: clinical testing. Allele origin: unknown.

NM_004415.4(DSP):c.3294C>G (p.Asp1098Glu)

Gene: DSP (desmoplakin; plus strand). Cytogenetic location: 6p24.3.
Variant type: single nucleotide variant.
Coding change: c.3294C>G on transcript NM_004415.4 (MANE Select); coding-DNA position 3294, C replaced by G.
Protein change: p.Asp1098Glu; replaces aspartic acid 1098 with glutamic acid.
Molecular consequence: missense variant.
Genome position (GRCh38, 1-based): chr6:7,579,484, C>G. VCF-style: chr6-7579484-C-G. GRCh37 (hg19) VCF-style: chr6-7579717-C-G.
Other names: c.3294C>G (LRG_423t1); c.3294C>G, p.Asp1098Glu (NM_001008844.3, NM_001319034.2); short protein forms D1098E.
Identifiers: ClinVar variation 218633 (VCV000218633.35), dbSNP rs535762713, ClinGen allele CA277899.
Genomic context (GRCh38, chr6:7,579,484, plus strand): 5'-CCTGGAGGAGCTGAAGAGACAGGCTGAGCTGGATGGGAAGTCGGCTAAGCAAAATCTAGA[C>G]AAGTGCTACGGCCAAATAAAAGAACTCAATGAGAAGATCACCCGACTGACTTATGAGATT-3'
Protein context (NP_004406.2, residues 1088-1108): LDGKSAKQNL[Asp1098Glu]KCYGQIKELN